The following is an entry in ClinVar:

NM_000094.4(COL7A1):c.4718A>G (p.Glu1573Gly)

Gene: COL7A1 (collagen type VII alpha 1 chain; minus strand). Cytogenetic location: 3p21.31.
Variant type: single nucleotide variant.
Coding change: c.4718A>G on transcript NM_000094.4 (MANE Select); coding-DNA position 4718, A replaced by G.
Protein change: p.Glu1573Gly; replaces glutamic acid 1573 with glycine.
Molecular consequence: missense variant.
Genome position (GRCh38, 1-based): chr3:48,581,710, T>C on the plus strand (A>G on the coding strand, the complement: COL7A1 is on the minus strand). VCF-style: chr3-48581710-T-C. GRCh37 (hg19) VCF-style: chr3-48619143-T-C.
Other names: short protein forms E1573G.
Identifiers: ClinVar variation 1956836 (VCV001956836.2), dbSNP rs2531110424, ClinGen allele CA352685390.

ClinVar aggregate classification (germline): Uncertain significance (1 of 4 stars; one submission).

Submission:

Labcorp Genetics (formerly Invitae), Labcorp
Classification: Uncertain significance. Last evaluated: 2021-06-23. Review status: criteria provided, single submitter. Criteria: Invitae Variant Classification Sherloc (09022015). Collection method: clinical testing. Allele origin: germline.
Comment: This sequence change replaces glutamic acid with glycine at codon 1573 of the COL7A1 protein (p.Glu1573Gly). The glutamic acid residue is moderately conserved and there is a moderate physicochemical difference between glutamic acid and glycine. This variant is not present in population databases (ExAC no frequency). This variant has not been reported in the literature in individuals with COL7A1-related conditions. Advanced modeling of protein sequence and biophysical properties (such as structural, functional, and spatial information, amino acid conservation, physicochemical variation, residue mobility, and thermodynamic stability) performed at Invitae indicates that this missense variant is not expected to disrupt COL7A1 protein function. In summary, the available evidence is currently insufficient to determine the role of this variant in disease. Therefore, it has been classified as a Variant of Uncertain Significance.